The following is an entry in ClinVar:

NM_152703.5(SAMD9L):c.2612C>A (p.Ala871Asp)

Gene: SAMD9L (sterile alpha motif domain containing 9 like; minus strand). Cytogenetic location: 7q21.2.
Variant type: single nucleotide variant.
Coding change: c.2612C>A on transcript NM_152703.5 (MANE Select); coding-DNA position 2612, C replaced by A.
Protein change: p.Ala871Asp; replaces alanine 871 with aspartic acid.
Molecular consequence: missense variant.
Genome position (GRCh38, 1-based): chr7:93,133,360, G>T on the plus strand (C>A on the coding strand, the complement: SAMD9L is on the minus strand). VCF-style: chr7-93133360-G-T. GRCh37 (hg19) VCF-style: chr7-92762673-G-T.
Other names: c.2612C>A, p.Ala871Asp (NM_001303496.3, NM_001303497.3, NM_001303498.3 and 5 more transcripts); c.2612C>A (NM_152703.2, NM_152703.3); short protein forms A871D.
Identifiers: ClinVar variation 1417887 (VCV001417887.8), dbSNP rs113405244, ClinGen allele CA368186912.
Genomic context (GRCh38, chr7:93,133,360, plus strand): 5'-ATCATGAAGGAATAAAAGTTTTCACAGTTCTTGTGCTGCTTTTCAATTTCCTTCAGTTTG[G>T]CACCAAAAGCTCTTTGTTCCTTGGAAGAAAGTTGGTAATTTAGTGCAATACTGTCTGCCA-3'
Protein context (NP_689916.2, residues 861-881): LSSKEQRAFG[Ala871Asp]KLKEIEKQHK

ClinVar aggregate classification (germline): Uncertain significance. Review status: criteria provided, multiple submitters, no conflicts (2 of 4 stars). 3 submissions from 3 submitters: Uncertain significance (3). Last evaluated 2026-08-25.

Conditions:
Inborn genetic diseases. Identifiers: MedGen C0950123, MeSH D030342.
SAMD9L-related disorder. Also called: SAMD9L-related disorders; SAMD9L-related condition.

Allele frequency attached by ClinVar (database versions not stated): gnomAD exomes 0.00001; TOPMed below 0.00001; gnomAD 0.00001.

Submissions (3):

PreventionGenetics, part of Exact Sciences
Classification: Uncertain significance for SAMD9L-related condition. Last evaluated: 2026-08-25. Review status: criteria provided, single submitter. Criteria: ACMG Guidelines, 2015. Collection method: clinical testing. Allele origin: germline.
Comment: The SAMD9L c.2612C>A variant is predicted to result in the amino acid substitution p.Ala871Asp. To our knowledge, this variant has not been reported in the literature or in a large population database (gnomAD), indicating this variant is rare. At this time, the clinical significance of this variant is uncertain due to the absence of conclusive functional and genetic evidence.

Ambry Genetics
Classification: Uncertain significance for Inborn genetic diseases. Last evaluated: 2024-11-26. Review status: criteria provided, single submitter. Criteria: Ambry Variant Classification Scheme 2023. Collection method: clinical testing. Allele origin: germline.
Comment: The p.A871D variant (also known as c.2612C>A), located in coding exon 1 of the SAMD9L gene, results from a C to A substitution at nucleotide position 2612. The alanine at codon 871 is replaced by aspartic acid, an amino acid with dissimilar properties. This amino acid position is conserved. In addition, this alteration is predicted to be tolerated by in silico analysis. Based on the available evidence, the clinical significance of this variant remains unclear.

Labcorp Genetics (formerly Invitae), Labcorp
Classification: Uncertain significance. Last evaluated: 2020-12-10. Review status: criteria provided, single submitter. Criteria: Invitae Variant Classification Sherloc (09022015). Collection method: clinical testing. Allele origin: germline.
Comment: In summary, the available evidence is currently insufficient to determine the role of this variant in disease. Therefore, it has been classified as a Variant of Uncertain Significance. Algorithms developed to predict the effect of missense changes on protein structure and function output the following: SIFT: "Not Available"; PolyPhen-2: "Benign"; Align-GVGD: "Not Available". The aspartic acid amino acid residue is found in multiple mammalian species, suggesting that this missense change does not adversely affect protein function. These predictions have not been confirmed by published functional studies and their clinical significance is uncertain. This variant has not been reported in the literature in individuals with SAMD9L-related conditions. This variant is not present in population databases (ExAC no frequency). This sequence change replaces alanine with aspartic acid at codon 871 of the SAMD9L protein (p.Ala871Asp). The alanine residue is moderately conserved and there is a moderate physicochemical difference between alanine and aspartic acid.